The following is an entry in ClinVar:

ClinVar aggregate classification (germline): Uncertain significance. Review status: criteria provided, multiple submitters, no conflicts (2 of 4 stars). 2 submissions from 2 submitters: Uncertain significance (2). Last evaluated 2025-04-24.

Conditions:
Inborn genetic diseases. Identifiers: MedGen C0950123, MeSH D030342.

Allele frequency attached by ClinVar (database versions not stated): gnomAD exomes 0.00003.
gnomAD v4.1: 38 of 1,552,214 alleles (0.0024%); highest among the groups gnomAD compares: Non-Finnish European, 0.0033%; no homozygotes.

Submissions (2):

Ambry Genetics
Classification: Uncertain significance for Inborn genetic diseases. Last evaluated: 2025-04-24. Review status: criteria provided, single submitter. Criteria: Ambry Variant Classification Scheme 2023. Collection method: clinical testing. Allele origin: germline.

Labcorp Genetics (formerly Invitae), Labcorp
Classification: Uncertain significance. Last evaluated: 2024-05-15. Review status: criteria provided, single submitter. Criteria: Invitae Variant Classification Sherloc (09022015). Collection method: clinical testing. Allele origin: germline.
Comment: This sequence change replaces valine, which is neutral and non-polar, with methionine, which is neutral and non-polar, at codon 387 of the UNC80 protein (p.Val387Met). This variant is not present in population databases (gnomAD no frequency). This variant has not been reported in the literature in individuals affected with UNC80-related conditions. ClinVar contains an entry for this variant (Variation ID: 2085804). An algorithm developed to predict the effect of missense changes on protein structure and function (PolyPhen-2) suggests that this variant is likely to be disruptive. In summary, the available evidence is currently insufficient to determine the role of this variant in disease. Therefore, it has been classified as a Variant of Uncertain Significance.

NM_001371986.1(UNC80):c.1159G>A (p.Val387Met)

Gene: UNC80 (unc-80 subunit of NALCN channel complex; plus strand). Cytogenetic location: 2q34.
Variant type: single nucleotide variant.
Coding change: c.1159G>A on transcript NM_001371986.1 (MANE Select); coding-DNA position 1159, G replaced by A.
Protein change: p.Val387Met; replaces valine 387 with methionine.
Molecular consequence: missense variant.
Genome position (GRCh38, 1-based): chr2:209,813,800, G>A. VCF-style: chr2-209813800-G-A. GRCh37 (hg19) VCF-style: chr2-210678524-G-A.
Other names: c.1159G>A (NM_032504.1); c.1159G>A, p.Val387Met (NM_032504.2, NM_182587.4); short protein forms V387M.
Identifiers: ClinVar variation 2085804 (VCV002085804.5), dbSNP rs2470958263, ClinGen allele CA350133517.
Genomic context (GRCh38, chr2:209,813,800, plus strand): 5'-CCAGAAAAGCCTCCGGAGCCAGATATTCCTCTCCTGCCCAGACCCAGGAGTAGCTCCATG[G>A]TGGCAGCAGCTCCCTCACTAGTGAACACCCACAAAACCCAAGTAAGAAAAACCCGGTTCA-3'
Protein context (NP_001358915.1, residues 377-397): LLPRPRSSSM[Val387Met]AAAPSLVNTH